The following is an entry in ClinVar:

NM_001009944.3(PKD1):c.404G>C (p.Trp135Ser)

Gene: PKD1 (polycystin 1, transient receptor potential channel interacting; minus strand). Cytogenetic location: 16p13.3.
Variant type: single nucleotide variant.
Coding change: c.404G>C on transcript NM_001009944.3 (MANE Select); coding-DNA position 404, G replaced by C.
Protein change: p.Trp135Ser; replaces tryptophan 135 with serine.
Molecular consequence: missense variant.
Genome position (GRCh38, 1-based): chr16:2,118,801, C>G on the plus strand (G>C on the coding strand, the complement: PKD1 is on the minus strand). VCF-style: chr16-2118801-C-G. GRCh37 (hg19) VCF-style: chr16-2168802-C-G.
Other names: c.404G>C, p.Trp135Ser (NM_000296.4); short protein forms W135S.
Identifiers: ClinVar variation 4854865 (VCV004854865.1).

ClinVar aggregate classification (germline): Uncertain significance (1 of 4 stars; one submission).

Conditions:
Polycystic kidney disease, adult type (PKD1). Also called: Polycystic Kidney, Autosomal Dominant; POLYCYSTIC KIDNEY DISEASE, ADULT, TYPE I; Polycystic Kidney Disease 1, Autosomal Dominant; Polycystic kidney disease 1; Polycystic kidney disease 1, severe; POLYCYSTIC KIDNEY DISEASE 1 WITH OR WITHOUT POLYCYSTIC LIVER DISEASE. Identifiers: MedGen C3149841, MONDO:0008263, OMIM 173900.

Submission:

3billion
Classification: Uncertain significance for Polycystic kidney disease, adult type. Last evaluated: 2025-11-10. Review status: criteria provided, single submitter. Criteria: ACMG Guidelines, 2015. Collection method: clinical testing. Allele origin: germline. Affected: yes.
Comment: The variant is not observed in the gnomAD v4.1.0 dataset. Predicted Consequence/Location: Missense variant In silico tool predictions suggest damaging effect of the variant on gene or gene product [REVEL: 0.69 (>=0.6, sensitivity 0.68 and specificity 0.92); 3Cnet: 0.79 (> 0.75, sensitivity 0.96 and precision 0.92)]. Different missense changes at the same codon have been reported as of uncertain significance (ClinVar ID: VCV000995154, VCV004055838). Therefore, this variant is classified as VUS according to the recommendation of ACMG/AMP guideline.